The following is an entry in ClinVar:

NM_018122.5(DARS2):c.188G>A (p.Gly63Asp)

Gene: DARS2 (aspartyl-tRNA synthetase 2, mitochondrial; plus strand). Cytogenetic location: 1q25.1.
Variant type: single nucleotide variant.
Coding change: c.188G>A on transcript NM_018122.5 (MANE Select); coding-DNA position 188, G replaced by A.
Protein change: p.Gly63Asp; replaces glycine 63 with aspartic acid.
Molecular consequence: missense variant.
Genome position (GRCh38, 1-based): chr1:173,826,747, G>A. VCF-style: chr1-173826747-G-A. GRCh37 (hg19) VCF-style: chr1-173795885-G-A.
Other names: p.Gly63Asp; c.188G>A, p.Gly63Asp (NM_001365212.1, NM_001365213.2); short protein forms G63D.
Identifiers: ClinVar variation 451395 (VCV000451395.14), dbSNP rs114714497, ClinGen allele CA1250022.

ClinVar aggregate classification (germline): Conflicting classifications of pathogenicity. Review status: criteria provided, conflicting classifications (1 of 4 stars). 4 submissions from 4 submitters: Uncertain significance (3); Likely benign (1). Last evaluated 2025-12-15.

Conditions:
Leukoencephalopathy with brain stem and spinal cord involvement-high lactate syndrome (LBSL). Also called: LEUKOENCEPHALOPATHY WITH BRAINSTEM AND SPINAL CORD INVOLVEMENT AND LACTATE ELEVATION, MILD; MITOCHONDRIAL ASPARTYL-tRNA SYNTHETASE DEFICIENCY; Leukoencephalopathy with Brainstem and Spinal Cord Involvement and Lactate Elevation. Identifiers: Orphanet 137898, MedGen C1970180, MONDO:0012622, OMIM 611105.

Allele frequency attached by ClinVar (database versions not stated): gnomAD 0.00099 and 0.00101; TOPMed 0.00105; ESP Exome Variant Server 0.00146; 1000 Genomes Project 0.00200; 1000 Genomes Project 30x 0.00219.
gnomAD v4.1: 294 of 1,613,146 alleles (0.018%); highest among the groups gnomAD compares: African/African-American, 0.36%; 1 homozygote.

Submissions (4):

Labcorp Genetics (formerly Invitae), Labcorp
Classification: Likely benign. Last evaluated: 2025-12-15. Review status: criteria provided, single submitter. Criteria: Invitae Variant Classification Sherloc (09022015). Collection method: clinical testing. Allele origin: germline.

Genomic Medicine Center of Excellence, King Faisal Specialist Hospital and Research Centre
Classification: Uncertain significance for Leukoencephalopathy with brain stem and spinal cord involvement-high lactate syndrome. Last evaluated: 2024-03-26. Review status: criteria provided, single submitter. Criteria: ACMG Guidelines, 2015. Collection method: clinical testing. Allele origin: germline.

Mayo Clinic Laboratories, Mayo Clinic
Classification: Uncertain significance. Last evaluated: 2024-01-19. Review status: criteria provided, single submitter. Criteria: ACMG Guidelines, 2015. Collection method: clinical testing. Allele origin: germline. Observed: 2 variant alleles.
Comment: BS1

GeneDx
Classification: Uncertain significance. Last evaluated: 2018-06-11. Review status: criteria provided, single submitter. Criteria: GeneDx Variant Classification (06012015). Collection method: clinical testing. Allele origin: germline. Affected: yes.
Comment: The G63D variant in the DARS2 gene has not been reported previously as a pathogenic variant, nor as a benign variant, to our knowledge. The G63D variant is observed in 40/10406 (0.38%) alleles from individuals of African background in the ExAC dataset and no individuals were reported to be homozygous (Lek et al., 2016). The G63D variant is a non-conservative amino acid substitution, which is likely to impact secondary protein structure as these residues differ in polarity, charge, size and/or other properties. This substitution occurs at a position that is conserved across species. In silico analysis predicts this variant is probably damaging to the protein structure/function. We interpret G63D as a variant of uncertain significance.